The following is an entry in ClinVar:

NM_000321.3(RB1):c.2212-14C>T

Gene: RB1 (RB transcriptional corepressor 1; plus strand). Cytogenetic location: 13q14.2.
Variant type: single nucleotide variant.
Coding change: c.2212-14C>T on transcript NM_000321.3 (MANE Select); 14 bases into the intron before coding-DNA position 2212, C replaced by T.
Molecular consequence: intron variant.
Genome position (GRCh38, 1-based): chr13:48,464,984, C>T. VCF-style: chr13-48464984-C-T. GRCh37 (hg19) VCF-style: chr13-49039120-C-T.
Identifiers: ClinVar variation 1289320 (VCV001289320.12), dbSNP rs80122842, ClinGen allele CA034583.

ClinVar aggregate classification (germline): Benign/Likely benign. Review status: criteria provided, multiple submitters, no conflicts (2 of 4 stars). 4 submissions from 4 submitters: Benign (2); Likely benign (2). Last evaluated 2026-06-22.

Conditions:
Retinoblastoma (RB1). Also called: RETINOBLASTOMA, SOMATIC. Identifiers: Orphanet 790, MedGen C0035335, MeSH D012175, MONDO:0008380, OMIM 180200, HP:0009919. Disease mechanism: loss of function. Inheritance: Both sporadic and heritable forms are tested..

Allele frequency attached by ClinVar (database versions not stated): ExAC 0.00259.

Submissions (12):

Myriad Genetics, Inc.
Classification: Likely benign for Retinoblastoma. Last evaluated: 2026-06-22. Review status: criteria provided, single submitter. Criteria: Myriad Autosomal Dominant, Autosomal Recessive and X-Linked Classification Criteria (2023). Collection method: clinical testing. Allele origin: unknown.
Comment: This variant is considered likely benign. This variant is intronic and is not expected to impact mRNA splicing.

Labcorp Genetics (formerly Invitae), Labcorp
Classification: Benign for Retinoblastoma. Last evaluated: 2025-12-13. Review status: criteria provided, single submitter. Criteria: Invitae Variant Classification Sherloc (09022015). Collection method: clinical testing. Allele origin: germline.

All of Us Research Program, National Institutes of Health
Classification: Likely benign for Retinoblastoma. Last evaluated: 2023-11-20. Review status: criteria provided, single submitter. Criteria: ACMG Guidelines, 2015. Collection method: clinical testing. Allele origin: germline. Inheritance: Autosomal dominant inheritance. Observed: 3 variant alleles, 3 heterozygotes.
Comment: This study involves interpretation of variants in research participants for the purpose of population health screening. Participant phenotype was not available at the time of variant classification. Additional details can be found in publication PMID: 35346344, PMCID: PMC8962531

GeneDx
Classification: Benign. Last evaluated: 2018-06-22. Review status: criteria provided, single submitter. Criteria: GeneDx Variant Classification Process June 2021. Collection method: clinical testing. Allele origin: germline. Affected: yes.

Dr. Peter K. Rogan Lab, Western University
No classification provided (evidence only). Condition: Familial cancer of breast. Review status: no classification provided. Collection method: in vitro. Allele origin: not applicable. Functional consequence: retained intron. Not counted in ClinVar's aggregate classification.

Dr. Peter K. Rogan Lab, Western University
No classification provided (evidence only). Condition: Familial cancer of breast. Review status: no classification provided. Collection method: in vitro. Allele origin: not applicable. Functional consequence: retained intron. Not counted in ClinVar's aggregate classification.

Dr. Peter K. Rogan Lab, Western University
No classification provided (evidence only). Condition: Familial cancer of breast. Review status: no classification provided. Collection method: in vitro. Allele origin: not applicable. Functional consequence: retained intron. Not counted in ClinVar's aggregate classification.

Dr. Peter K. Rogan Lab, Western University
No classification provided (evidence only). Condition: Familial cancer of breast. Review status: no classification provided. Collection method: in vitro. Allele origin: not applicable. Functional consequence: retained intron. Not counted in ClinVar's aggregate classification.

Dr. Peter K. Rogan Lab, Western University
No classification provided (evidence only). Condition: Acute myeloid leukemia. Review status: no classification provided. Collection method: in vitro. Allele origin: not applicable. Functional consequence: retained intron. Not counted in ClinVar's aggregate classification.

Dr. Peter K. Rogan Lab, Western University
No classification provided (evidence only). Condition: Sarcoma. Review status: no classification provided. Collection method: in vitro. Allele origin: not applicable. Functional consequence: retained intron. Not counted in ClinVar's aggregate classification.

Dr. Peter K. Rogan Lab, Western University
No classification provided (evidence only). Condition: Thymoma. Review status: no classification provided. Collection method: in vitro. Allele origin: not applicable. Functional consequence: retained intron. Not counted in ClinVar's aggregate classification.

Dr. Peter K. Rogan Lab, Western University
No classification provided (evidence only). Condition: Thymoma. Review status: no classification provided. Collection method: in vitro. Allele origin: not applicable. Functional consequence: retained intron. Not counted in ClinVar's aggregate classification.